The following is an entry in ClinVar:

NM_004329.3(BMPR1A):c.817C>A (p.Arg273=)

Gene: BMPR1A (bone morphogenetic protein receptor type 1A; plus strand). Cytogenetic location: 10q23.2.
Variant type: single nucleotide variant.
Coding change: c.817C>A on transcript NM_004329.3 (MANE Select); coding-DNA position 817, C replaced by A.
Protein change: p.Arg273=; no amino-acid change (arginine 273 retained).
Molecular consequence: synonymous variant. On other transcripts: non-coding transcript variant (3).
Genome position (GRCh38, 1-based): chr10:86,917,275, C>A. VCF-style: chr10-86917275-C-A. GRCh37 (hg19) VCF-style: chr10-88677032-C-A.
Other names: c.892C>A, p.Arg298= (NM_001406559.1); c.865C>A, p.Arg289= (NM_001406560.1); c.817C>A, p.Arg273= (NM_001406561.1, NM_001406562.1, NM_001406563.1 and 19 more transcripts); c.811C>A, p.Arg271= (NM_001406583.1); c.733C>A, p.Arg245= (NM_001406584.1, NM_001406585.1, NM_001406586.1 and 2 more transcripts); c.475C>A, p.Arg159= (NM_001406589.1).
Identifiers: ClinVar variation 3379314 (VCV003379314.1).

ClinVar aggregate classification (germline): Benign (1 of 4 stars; one submission).

Conditions:
Juvenile polyposis syndrome (JPS). Identifiers: Orphanet 2929, MedGen C0345893, MONDO:0017380, OMIM 174900.

Submission:

Myriad Genetics, Inc.
Classification: Benign for Juvenile polyposis syndrome. Last evaluated: 2024-08-05. Review status: criteria provided, single submitter. Criteria: Myriad Autosomal Dominant, Autosomal Recessive and X-Linked Classification Criteria (2023). Collection method: clinical testing. Allele origin: unknown.
Comment: This variant is considered benign. This variant is a silent/synonymous amino acid change and it is not expected to impact splicing.